The following is an entry in ClinVar:

ClinVar aggregate classification (germline): Pathogenic (1 of 4 stars; one submission).

Conditions:
Supravalvar aortic stenosis (SVAS). Also called: Supravalvar aortic stenosis, Eisenberg type. Identifiers: Orphanet 3193, MedGen C0003499, MONDO:0008504, OMIM 185500, HP:0004381.

Submission:

Labcorp Genetics (formerly Invitae), Labcorp
Classification: Pathogenic for Supravalvar aortic stenosis. Last evaluated: 2020-11-23. Review status: criteria provided, single submitter. Criteria: Invitae Variant Classification Sherloc (09022015). Collection method: clinical testing. Allele origin: germline.
Comment: This variant has not been reported in the literature in individuals with ELN-related conditions. For these reasons, this variant has been classified as Pathogenic. This variant is not present in population databases (ExAC no frequency). This sequence change creates a premature translational stop signal (p.Ile33Phefs*89) in the ELN gene. It is expected to result in an absent or disrupted protein product. Loss-of-function variants in ELN are known to be pathogenic (PMID: 11175284).

Literature cited by the submitters: PubMed 11175284.

NM_000501.4(ELN):c.96del (p.Ile33fs)

Gene: ELN (elastin; plus strand). Cytogenetic location: 7q11.23.
Variant type: Deletion.
Coding change: c.96del on transcript NM_000501.4 (MANE Select); coding-DNA position 96, one base deleted (C; older notation c.96delC).
Protein change: p.Ile33fs; shifts the reading frame from isoleucine 33.
Molecular consequence: frameshift variant.
Genome position (GRCh38, 1-based): chr7:74,035,377, C deleted; the last of 2 consecutive C bases (chr7:74,035,376-74,035,377); deleting either gives the same sequence. VCF-style (leftmost placement, unchanged base first): chr7-74035375-GC-G. GRCh37 (hg19) VCF-style: chr7-73449705-GC-G.
Other names: c.96del, p.Ile33fs (NM_001081752.3, NM_001081753.3, NM_001081754.3 and 9 more transcripts); short protein forms I33fs.
Identifiers: ClinVar variation 1381578 (VCV001381578.6), dbSNP rs2131151265, ClinGen allele CA2573142326.